The following is an entry in ClinVar:

NM_001009944.3(PKD1):c.788C>A (p.Thr263Asn)

Gene: PKD1 (polycystin 1, transient receptor potential channel interacting; minus strand). Cytogenetic location: 16p13.3.
Variant type: single nucleotide variant.
Coding change: c.788C>A on transcript NM_001009944.3 (MANE Select); coding-DNA position 788, C replaced by A.
Protein change: p.Thr263Asn; replaces threonine 263 with asparagine.
Molecular consequence: missense variant.
Genome position (GRCh38, 1-based): chr16:2,118,204, G>T on the plus strand (C>A on the coding strand, the complement: PKD1 is on the minus strand). VCF-style: chr16-2118204-G-T. GRCh37 (hg19) VCF-style: chr16-2168205-G-T.
Other names: c.788C>A, p.Thr263Asn (NM_000296.4); short protein forms T263N.
Identifiers: ClinVar variation 2430897 (VCV002430897.3), dbSNP rs900664088, ClinGen allele CA276783972.

ClinVar aggregate classification (germline): Conflicting classifications of pathogenicity. Review status: criteria provided, conflicting classifications (1 of 4 stars). 3 submissions from 3 submitters: Uncertain significance (2); Likely benign (1). Last evaluated 2024-06-12.

Conditions:
Polycystic kidney disease, adult type (PKD1). Also called: Polycystic Kidney, Autosomal Dominant; POLYCYSTIC KIDNEY DISEASE 1 WITH OR WITHOUT POLYCYSTIC LIVER DISEASE; POLYCYSTIC KIDNEY DISEASE, ADULT, TYPE I; Polycystic Kidney Disease 1, Autosomal Dominant; Polycystic kidney disease 1; Polycystic kidney disease 1, severe. Identifiers: MedGen C3149841, MONDO:0008263, OMIM 173900.

Allele frequency attached by ClinVar (database versions not stated): gnomAD exomes 0.00001; TOPMed 0.00001; gnomAD 0.00002; 1000 Genomes Project 30x 0.00016.
gnomAD v4.1: 19 of 1,539,586 alleles (0.0012%); highest among the groups gnomAD compares: Admixed American, 0.0097%; no homozygotes.

Submissions (3):

Department of Pathology and Laboratory Medicine, Sinai Health System
Classification: Likely benign for Polycystic kidney disease, adult type. Last evaluated: 2024-06-12. Review status: criteria provided, single submitter. Criteria: ACMG Guidelines, 2015. Collection method: clinical testing. Allele origin: germline. Affected: yes.

Fulgent Genetics
Classification: Uncertain significance for Polycystic kidney disease, adult type. Last evaluated: 2024-05-09. Review status: criteria provided, single submitter. Criteria: ACMG Guidelines, 2015. Collection method: clinical testing. Allele origin: germline.

GeneDx
Classification: Uncertain significance. Last evaluated: 2022-08-16. Review status: criteria provided, single submitter. Criteria: GeneDx Variant Classification Process June 2021. Collection method: clinical testing. Allele origin: germline. Affected: yes.
Comment: In silico analysis supports that this missense variant does not alter protein structure/function; Has not been previously published as pathogenic or benign to our knowledge